The following is an entry in ClinVar:

NM_014915.3(ANKRD26):c.2209A>G (p.Arg737Gly)

Gene: ANKRD26 (ankyrin repeat domain 26; minus strand). Cytogenetic location: 10p12.1.
Variant type: single nucleotide variant.
Coding change: c.2209A>G on transcript NM_014915.3 (MANE Select); coding-DNA position 2209, A replaced by G.
Protein change: p.Arg737Gly; replaces arginine 737 with glycine.
Molecular consequence: missense variant.
Genome position (GRCh38, 1-based): chr10:27,040,131, T>C on the plus strand (A>G on the coding strand, the complement: ANKRD26 is on the minus strand). VCF-style: chr10-27040131-T-C. GRCh37 (hg19) VCF-style: chr10-27329060-T-C.
Other names: c.2206A>G, p.Arg736Gly (NM_001256053.2); short protein forms R736G, R737G.
Identifiers: ClinVar variation 2581735 (VCV002581735.3), dbSNP rs2538810658, ClinGen allele CA376367819.

ClinVar aggregate classification (germline): Uncertain significance. Review status: criteria provided, multiple submitters, no conflicts (2 of 4 stars). 3 submissions from 3 submitters: Uncertain significance (3). Last evaluated 2025-05-03.

Conditions:
Inborn genetic diseases. Identifiers: MedGen C0950123, MeSH D030342.

Allele frequency attached by ClinVar (database versions not stated): gnomAD exomes below 0.00001.
gnomAD v4.1: 1 of 1,613,104 alleles (0.000062%); highest among the groups gnomAD compares: Non-Finnish European, 0.000085%; no homozygotes.

Submissions (3):

Ambry Genetics
Classification: Uncertain significance for Inborn genetic diseases. Last evaluated: 2025-05-03. Review status: criteria provided, single submitter. Criteria: Ambry Variant Classification Scheme 2023. Collection method: clinical testing. Allele origin: germline.
Comment: The p.R737G variant (also known as c.2209A>G), located in coding exon 21 of the ANKRD26 gene, results from an A to G substitution at nucleotide position 2209. The arginine at codon 737 is replaced by glycine, an amino acid with dissimilar properties. This amino acid position is conserved. In addition, this alteration is predicted to be tolerated by in silico analysis. Based on the available evidence, the clinical significance of this variant remains unclear.

Labcorp Genetics (formerly Invitae), Labcorp
Classification: Uncertain significance. Last evaluated: 2025-03-06. Review status: criteria provided, single submitter. Criteria: Invitae Variant Classification Sherloc (09022015). Collection method: clinical testing. Allele origin: germline.
Comment: This sequence change replaces arginine, which is basic and polar, with glycine, which is neutral and non-polar, at codon 737 of the ANKRD26 protein (p.Arg737Gly). This variant is not present in population databases (gnomAD no frequency). This variant has not been reported in the literature in individuals affected with ANKRD26-related conditions. ClinVar contains an entry for this variant (Variation ID: 2581735). An algorithm developed to predict the effect of missense changes on protein structure and function (PolyPhen-2) suggests that this variant is likely to be disruptive. In summary, the available evidence is currently insufficient to determine the role of this variant in disease. Therefore, it has been classified as a Variant of Uncertain Significance.

GeneDx
Classification: Uncertain significance. Last evaluated: 2023-03-31. Review status: criteria provided, single submitter. Criteria: GeneDx Variant Classification Process June 2021. Collection method: clinical testing. Allele origin: germline. Affected: yes.
Comment: Not observed at significant frequency in large population cohorts (gnomAD); In silico analysis supports that this missense variant has a deleterious effect on protein structure/function; Has not been previously published as pathogenic or benign to our knowledge